The following is an entry in ClinVar:

NM_001651.4(AQP5):c.369C>A (p.Asn123Lys)

Gene: AQP5 (aquaporin 5; plus strand). Cytogenetic location: 12q13.12.
Variant type: single nucleotide variant.
Coding change: c.369C>A on transcript NM_001651.4 (MANE Select); coding-DNA position 369, C replaced by A.
Protein change: p.Asn123Lys; replaces asparagine 123 with lysine.
Molecular consequence: missense variant.
Genome position (GRCh38, 1-based): chr12:49,963,497, C>A. VCF-style: chr12-49963497-C-A. GRCh37 (hg19) VCF-style: chr12-50357280-C-A.
Other names: short protein forms N123K.
Identifiers: ClinVar variation 1381475 (VCV001381475.6), dbSNP rs2137159654, ClinGen allele CA384769744.

ClinVar aggregate classification (germline): Uncertain significance (1 of 4 stars; one submission).

Submission:

Labcorp Genetics (formerly Invitae), Labcorp
Classification: Uncertain significance. Last evaluated: 2023-09-05. Review status: criteria provided, single submitter. Criteria: Invitae Variant Classification Sherloc (09022015). Collection method: clinical testing. Allele origin: germline.
Comment: This sequence change replaces asparagine, which is neutral and polar, with lysine, which is basic and polar, at codon 123 of the AQP5 protein (p.Asn123Lys). This variant is not present in population databases (gnomAD no frequency). This variant has not been reported in the literature in individuals affected with AQP5-related conditions. ClinVar contains an entry for this variant (Variation ID: 1381475). Advanced modeling of protein sequence and biophysical properties (such as structural, functional, and spatial information, amino acid conservation, physicochemical variation, residue mobility, and thermodynamic stability) performed at Invitae indicates that this missense variant is not expected to disrupt AQP5 protein function. This variant disrupts the p.Asn123 amino acid residue in AQP5. Other variant(s) that disrupt this residue have been determined to be pathogenic (PMID: 23867895, 30221495). This suggests that this residue is clinically significant, and that variants that disrupt this residue are likely to be disease-causing. In summary, the available evidence is currently insufficient to determine the role of this variant in disease. Therefore, it has been classified as a Variant of Uncertain Significance.

Literature cited by the submitters: PubMed 23867895; PubMed 30221495.